The following is an entry in ClinVar:

ClinVar aggregate classification (germline): Likely pathogenic (1 of 4 stars; one submission).

Conditions:
Complex cortical dysplasia with other brain malformations 7. Identifiers: Orphanet 300573, MedGen C3552236, MONDO:0012399, OMIM 610031.

Submission:

Victorian Clinical Genetics Services, Murdoch Childrens Research Institute
Classification: Likely pathogenic for Complex cortical dysplasia with other brain malformations 7. Last evaluated: 2023-07-17. Review status: criteria provided, single submitter. Criteria: ACMG Guidelines, 2015. Collection method: clinical testing. Allele origin: germline. Inheritance: Autosomal dominant inheritance. Affected: yes.
Comment: Based on the classification scheme VCGS_Germline_v1.3.4, this variant is classified as Likely pathogenic. Following criteria are met: 0102 - Loss of function has been suggested as a mechanism of disease in this gene and is associated with complex cortical dysplasia, with other brain malformations 7 (MIM#610031). However, it should be noted that while missense mutant constructs have demonstrated variable abilities to form heterodimers and incorporate into microtubulins, co-transfection studies with the WT protein have not been performed and, the mutational spectrum is more suggestive of a dominant negative mechanism (PMIDs: 19465910, 23001566, 26732629). (I) 0107 - This gene is associated with autosomal dominant disease. (I) 0115 - Variants in this gene are known to have variable expressivity (OMIM). (I) 0200 - Variant is predicted to result in a missense amino acid change from phenylalanine to leucine. (I) 0251 - This variant is heterozygous. (I) 0301 - Variant is absent from gnomAD (both v2 and v3). (SP) 0503 - Missense variant consistently predicted to be tolerated by multiple in silico tools or not conserved in placental mammals with a minor amino acid change. (SB) 0600 - Variant is located in the annotated Tubulin/FtsZ family, GTPase domain (DECIPHER). (I) 0705 - No comparable missense variants have previous evidence for pathogenicity. (I) 0807 - This variant has no previous evidence of pathogenicity. (I) 0905 - No published segregation evidence has been identified for this variant. (I) 1007 - No published functional evidence has been identified for this variant. (SP) Legend: (SP) - Supporting pathogenic, (I) - Information, (SB) - Supporting benign

Literature cited by the submitters: PubMed 19465910; PubMed 23001566; PubMed 26732629.

NM_178012.5(TUBB2B):c.243C>G (p.Phe81Leu)

Gene: TUBB2B (tubulin beta 2B class IIb; minus strand). Cytogenetic location: 6p25.2.
Variant type: single nucleotide variant.
Coding change: c.243C>G on transcript NM_178012.5 (MANE Select); coding-DNA position 243, C replaced by G.
Protein change: p.Phe81Leu; replaces phenylalanine 81 with leucine.
Molecular consequence: missense variant.
Genome position (GRCh38, 1-based): chr6:3,226,193, G>C on the plus strand (C>G on the coding strand, the complement: TUBB2B is on the minus strand). VCF-style: chr6-3226193-G-C. GRCh37 (hg19) VCF-style: chr6-3226427-G-C.
Other names: short protein forms F81L.
Identifiers: ClinVar variation 3255101 (VCV003255101.1), dbSNP rs1403441857.